The following is an entry in ClinVar:

ClinVar aggregate classification (germline): Uncertain significance (1 of 4 stars; one submission).

Submission:

Ambry Genetics
Classification: Uncertain significance. Last evaluated: 2024-08-30. Review status: criteria provided, single submitter. Criteria: Ambry Variant Classification Scheme 2023. Collection method: clinical testing. Allele origin: germline.
Comment: The p.C478R variant (also known as c.1432T>C), located in coding exon 10 of the RINT1 gene, results from a T to C substitution at nucleotide position 1432. The cysteine at codon 478 is replaced by arginine, an amino acid with highly dissimilar properties. This amino acid position is conserved. In addition, this alteration is predicted to be deleterious by in silico analysis. Based on the available evidence, the clinical significance of this variant remains unclear.

NM_021930.6(RINT1):c.1432T>C (p.Cys478Arg)

Gene: RINT1 (RAD50 interactor 1; plus strand). Cytogenetic location: 7q22.3.
Variant type: single nucleotide variant.
Coding change: c.1432T>C on transcript NM_021930.6 (MANE Select); coding-DNA position 1432, T replaced by C.
Protein change: p.Cys478Arg; replaces cysteine 478 with arginine.
Molecular consequence: missense variant. On other transcripts: non-coding transcript variant (1).
Genome position (GRCh38, 1-based): chr7:105,551,668, T>C. VCF-style: chr7-105551668-T-C. GRCh37 (hg19) VCF-style: chr7-105192115-T-C.
Other names: c.1198T>C, p.Cys400Arg (NM_001346599.2); c.409T>C, p.Cys137Arg (NM_001346600.2, NM_001346603.2); c.508T>C, p.Cys170Arg (NM_001346601.2); short protein forms C137R, C400R, C170R, C478R.
Identifiers: ClinVar variation 3433612 (VCV003433612.1).